The following is an entry in ClinVar:

NM_001283009.2(RTEL1):c.3463G>T (p.Val1155Leu)

Genes: RTEL1 (regulator of telomere elongation helicase 1; plus strand), RTEL1-TNFRSF6B (RTEL1-TNFRSF6B readthrough (NMD candidate); plus strand). Cytogenetic location: 20q13.33.
Variant type: single nucleotide variant.
Coding change: c.3463G>T on transcript NM_001283009.2 (MANE Select); coding-DNA position 3463, G replaced by T.
Protein change: p.Val1155Leu; replaces valine 1155 with leucine.
Molecular consequence: missense variant. On other transcripts: non-coding transcript variant (1).
Genome position (GRCh38, 1-based): chr20:63,695,185, G>T. VCF-style: chr20-63695185-G-T. GRCh37 (hg19) VCF-style: chr20-62326538-G-T.
Other names: c.2794G>T, p.Val932Leu (NM_001283010.1); c.3463G>T, p.Val1155Leu (NM_016434.4); c.3535G>T, p.Val1179Leu (NM_032957.5); short protein forms V1155L, V1179L, V932L.
Identifiers: ClinVar variation 1934141 (VCV001934141.5), dbSNP rs149145821, ClinGen allele CA9966042.

ClinVar aggregate classification (germline): Uncertain significance (1 of 4 stars; one submission).

Conditions:
Dyskeratosis congenita, autosomal recessive 5 (DKCB5). Identifiers: MedGen C3554656, MONDO:0014076, OMIM 615190.
Pulmonary fibrosis and/or bone marrow failure, Telomere-related, 3. Also called: PULMONARY FIBROSIS AND/OR BONE MARROW FAILURE SYNDROME, TELOMERE-RELATED, 3. Identifiers: Orphanet 2032, MedGen C4225346, MONDO:0014613, OMIM 616373.

gnomAD v4.1: 1 of 1,612,096 alleles (0.000062%); highest among the groups gnomAD compares: Non-Finnish European, 0.000085%; no homozygotes.

Submission:

Labcorp Genetics (formerly Invitae), Labcorp
Classification: Uncertain significance for Dyskeratosis congenita, autosomal recessive 5; Pulmonary fibrosis and/or bone marrow failure, Telomere-related, 3. Last evaluated: 2022-04-07. Review status: criteria provided, single submitter. Criteria: Invitae Variant Classification Sherloc (09022015). Collection method: clinical testing. Allele origin: germline.
Comment: In summary, the available evidence is currently insufficient to determine the role of this variant in disease. Therefore, it has been classified as a Variant of Uncertain Significance. Algorithms developed to predict the effect of missense changes on protein structure and function (SIFT, PolyPhen-2, Align-GVGD) all suggest that this variant is likely to be tolerated. This variant has not been reported in the literature in individuals affected with RTEL1-related conditions. This variant is present in population databases (rs149145821, gnomAD 0.0009%). This sequence change replaces valine, which is neutral and non-polar, with leucine, which is neutral and non-polar, at codon 1155 of the RTEL1 protein (p.Val1155Leu).